The following is an entry in ClinVar:

ClinVar aggregate classification (germline): Uncertain significance. Review status: criteria provided, multiple submitters, no conflicts (2 of 4 stars). 2 submissions from 2 submitters: Uncertain significance (2). Last evaluated 2024-01-16.

Conditions:
Cerebral cavernous malformation 3. Also called: Familial Cerebral Cavernous Malformation 3. Identifiers: Orphanet 221061, MedGen C1864040, MONDO:0011305, OMIM 603285.

Allele frequency attached by ClinVar (database versions not stated): gnomAD 0.00001; TOPMed 0.00001; ExAC 0.00002; 1000 Genomes Project 30x 0.00031; 1000 Genomes Project 0.00040.
gnomAD v4.1: 24 of 1,613,446 alleles (0.0015%); highest among the groups gnomAD compares: Non-Finnish European, 0.0017%; no homozygotes.

Submissions (2):

Labcorp Genetics (formerly Invitae), Labcorp
Classification: Uncertain significance for Cerebral cavernous malformation 3. Last evaluated: 2024-01-16. Review status: criteria provided, single submitter. Criteria: Invitae Variant Classification Sherloc (09022015). Collection method: clinical testing. Allele origin: germline.
Comment: This sequence change replaces arginine, which is basic and polar, with methionine, which is neutral and non-polar, at codon 126 of the PDCD10 protein (p.Arg126Met). This variant is present in population databases (rs182501365, gnomAD 0.007%). This variant has not been reported in the literature in individuals affected with PDCD10-related conditions. An algorithm developed to predict the effect of missense changes on protein structure and function (PolyPhen-2) suggests that this variant is likely to be tolerated. In summary, the available evidence is currently insufficient to determine the role of this variant in disease. Therefore, it has been classified as a Variant of Uncertain Significance.

Department of Pathology and Laboratory Medicine, Sinai Health System
Classification: Uncertain significance for Cerebral cavernous malformation 3. Last evaluated: 2021-11-24. Review status: criteria provided, single submitter. Criteria: ACMG Guidelines, 2015. Collection method: research. Allele origin: germline.

NM_007217.4(PDCD10):c.377G>T (p.Arg126Met)

Gene: PDCD10 (programmed cell death 10; minus strand). Cytogenetic location: 3q26.1.
Variant type: single nucleotide variant.
Coding change: c.377G>T on transcript NM_007217.4 (MANE Select); coding-DNA position 377, G replaced by T.
Protein change: p.Arg126Met; replaces arginine 126 with methionine.
Molecular consequence: missense variant.
Genome position (GRCh38, 1-based): chr3:167,695,614, C>A on the plus strand (G>T on the coding strand, the complement: PDCD10 is on the minus strand). VCF-style: chr3-167695614-C-A. GRCh37 (hg19) VCF-style: chr3-167413402-C-A.
Other names: c.377G>T, p.Arg126Met (NM_145859.2, NM_145860.2); short protein forms R126M.
Identifiers: ClinVar variation 2729061 (VCV002729061.4), dbSNP rs182501365, ClinGen allele CA2694585.